The following is an entry in ClinVar:

ClinVar aggregate classification (germline): Uncertain significance (1 of 4 stars; one submission).

Conditions:
Pitt-Hopkins-like syndrome 2 (PTHSL2). Identifiers: Orphanet 221150, Orphanet 600663, MedGen C3280479, MONDO:0013690, OMIM 614325.

Submission:

Labcorp Genetics (formerly Invitae), Labcorp
Classification: Uncertain significance for Pitt-Hopkins-like syndrome 2. Last evaluated: 2026-01-27. Review status: criteria provided, single submitter. Criteria: Invitae Variant Classification Sherloc (09022015). Collection method: clinical testing. Allele origin: germline.
Comment: This sequence change replaces valine, which is neutral and non-polar, with isoleucine, which is neutral and non-polar, at codon 1071 of the NRXN1 protein (p.Val1071Ile). This variant is not present in population databases (gnomAD no frequency). This variant has not been reported in the literature in individuals affected with NRXN1-related conditions. An algorithm developed to predict the effect of missense changes on protein structure and function (PolyPhen-2) suggests that this variant is likely to be tolerated. In summary, the available evidence is currently insufficient to determine the role of this variant in disease. Therefore, it has been classified as a Variant of Uncertain Significance.

NM_001330078.2(NRXN1):c.3091G>A (p.Val1031Ile)

Gene: NRXN1 (neurexin 1; minus strand). Cytogenetic location: 2p16.3.
Variant type: single nucleotide variant.
Coding change: c.3091G>A on transcript NM_001330078.2 (MANE Select); coding-DNA position 3091, G replaced by A.
Protein change: p.Val1031Ile; replaces valine 1031 with isoleucine.
Molecular consequence: missense variant.
Genome position (GRCh38, 1-based): chr2:50,472,451, C>T on the plus strand (G>A on the coding strand, the complement: NRXN1 is on the minus strand). VCF-style: chr2-50472451-C-T. GRCh37 (hg19) VCF-style: chr2-50699589-C-T.
Other names: c.2980G>A, p.Val994Ile (NM_001330087.2, NM_001330096.2); c.3010G>A, p.Val1004Ile (NM_001330088.2); c.3088G>A, p.Val1030Ile (NM_001330093.2); c.3079G>A, p.Val1027Ile (NM_001330094.2); c.3040G>A, p.Val1014Ile (NM_001330095.2); c.3091G>A, p.Val1031Ile (NM_004801.6, NM_001330086.2); c.3211G>A, p.Val1071Ile (NM_001135659.3); c.3067G>A, p.Val1023Ile (NM_001330077.2, NM_001330082.2); and 2 more; short protein forms V1004I, V1023I, V1071I, V1027I, V1030I, V1009I, V1022I, V1031I.
Identifiers: ClinVar variation 4706809 (VCV004706809.1).